The following is an entry in ClinVar:

NM_003482.4(KMT2D):c.13295A>C (p.Lys4432Thr)

Gene: KMT2D (lysine methyltransferase 2D; minus strand). Cytogenetic location: 12q13.12.
Variant type: single nucleotide variant.
Coding change: c.13295A>C on transcript NM_003482.4 (MANE Select); coding-DNA position 13295, A replaced by C.
Protein change: p.Lys4432Thr; replaces lysine 4432 with threonine.
Molecular consequence: missense variant.
Genome position (GRCh38, 1-based): chr12:49,031,410, T>G on the plus strand (A>C on the coding strand, the complement: KMT2D is on the minus strand). VCF-style: chr12-49031410-T-G. GRCh37 (hg19) VCF-style: chr12-49425193-T-G.
Other names: short protein forms K4432T.
Identifiers: ClinVar variation 1486371 (VCV001486371.8), dbSNP rs2120419890, ClinGen allele CA384706531.

ClinVar aggregate classification (germline): Uncertain significance (1 of 4 stars; one submission).

Conditions:
Kabuki syndrome. Also called: Kabuki make-up syndrome; NIIKAWA-KUROKI SYNDROME. Identifiers: Orphanet 2322, MedGen C0796004, MONDO:0016512.

Submission:

Labcorp Genetics (formerly Invitae), Labcorp
Classification: Uncertain significance for Kabuki syndrome. Last evaluated: 2021-04-10. Review status: criteria provided, single submitter. Criteria: Invitae Variant Classification Sherloc (09022015). Collection method: clinical testing. Allele origin: germline.
Comment: In summary, the available evidence is currently insufficient to determine the role of this variant in disease. Therefore, it has been classified as a Variant of Uncertain Significance. Algorithms developed to predict the effect of missense changes on protein structure and function are either unavailable or do not agree on the potential impact of this missense change (SIFT: "Deleterious"; PolyPhen-2: "Not Available"; Align-GVGD: "Class C0"). This variant has not been reported in the literature in individuals with KMT2D-related conditions. This variant is not present in population databases (ExAC no frequency). This sequence change replaces lysine with threonine at codon 4432 of the KMT2D protein (p.Lys4432Thr). The lysine residue is moderately conserved and there is a moderate physicochemical difference between lysine and threonine.